The following is an entry in ClinVar:

ClinVar aggregate classification (germline): Uncertain significance (1 of 4 stars; one submission).

Conditions:
Hereditary cancer-predisposing syndrome. Also called: Neoplastic Syndromes, Hereditary; Tumor predisposition; Hereditary Cancer Syndrome; Hereditary neoplastic syndrome. Identifiers: Orphanet 140162, MedGen C0027672, MeSH D009386, MONDO:0015356.

Submission:

Ambry Genetics
Classification: Uncertain significance for Hereditary cancer-predisposing syndrome. Last evaluated: 2014-12-22. Review status: criteria provided, single submitter. Criteria: Ambry Variant Classification Scheme 2023. Collection method: clinical testing. Allele origin: germline.
Comment: The p.G683R variant (also known as c.2047G>A), located in coding exon 18 of the MRE11A gene, results from a G to A substitution at nucleotide position 2047. The glycine at codon 683 is replaced by arginine, an amino acid with dissimilar properties. This variant was not reported in population based cohorts in the following databases: Database of Single Nucleotide Polymorphisms (dbSNP), NHLBI Exome Sequencing Project (ESP), and 1000 Genomes Project. In the ESP, this variant was not observed in 6499 samples (12998 alleles) with coverage at this position. To date, this alteration has been detected with an allele frequency of approximately 0.003% (greater than 40,000 alleles tested) in our clinical cohort. This amino acid position is highly conserved in available vertebrate species. In addition, the in silico prediction for this alteration is inconclusive. Since supporting evidence is limited at this time, the clinical significance of p.G683R remains unclear.

NM_005591.4(MRE11):c.2047G>A (p.Gly683Arg)

Gene: MRE11 (MRE11 double strand break repair nuclease; minus strand). Cytogenetic location: 11q21.
Variant type: single nucleotide variant.
Coding change: c.2047G>A on transcript NM_005591.4 (MANE Select); coding-DNA position 2047, G replaced by A.
Protein change: p.Gly683Arg; replaces glycine 683 with arginine.
Molecular consequence: missense variant.
Genome position (GRCh38, 1-based): chr11:94,429,934, C>T on the plus strand (G>A on the coding strand, the complement: MRE11 is on the minus strand). VCF-style: chr11-94429934-C-T. GRCh37 (hg19) VCF-style: chr11-94163100-C-T.
Other names: c.2044G>A, p.Gly682Arg (NM_001330347.2); c.1963G>A, p.Gly655Arg (NM_005590.4); short protein forms G683R, G655R, G682R.
Identifiers: ClinVar variation 187596 (VCV000187596.5), dbSNP rs786203852, ClinGen allele CA198044.